The following is an entry in ClinVar:

ClinVar aggregate classification (germline): Uncertain significance. Review status: criteria provided, multiple submitters, no conflicts (2 of 4 stars). 2 submissions from 2 submitters: Uncertain significance (2). Last evaluated 2024-04-23.

Conditions:
Early Myoclonic Encephalopathy. Identifiers: MedGen C0270855.

Allele frequency attached by ClinVar (database versions not stated): gnomAD 0.00001 and below 0.00001; ExAC 0.00011; 1000 Genomes Project 0.00020; gnomAD exomes 0.00008.
gnomAD v4.1: 53 of 1,504,744 alleles (0.0035%); highest among the groups gnomAD compares: South Asian, 0.056%; 1 homozygote.

Submissions (2):

Ambry Genetics
Classification: Uncertain significance. Last evaluated: 2024-04-23. Review status: criteria provided, single submitter. Criteria: Ambry Variant Classification Scheme 2023. Collection method: clinical testing. Allele origin: germline.

Labcorp Genetics (formerly Invitae), Labcorp
Classification: Uncertain significance for Early Myoclonic Encephalopathy. Last evaluated: 2020-01-28. Review status: criteria provided, single submitter. Criteria: Invitae Variant Classification Sherloc (09022015). Collection method: clinical testing. Allele origin: germline.
Comment: In summary, the available evidence is currently insufficient to determine the role of this variant in disease. Therefore, it has been classified as a Variant of Uncertain Significance. Algorithms developed to predict the effect of missense changes on protein structure and function (SIFT, PolyPhen-2, Align-GVGD) all suggest that this variant is likely to be tolerated, but these predictions have not been confirmed by published functional studies and their clinical significance is uncertain. This variant has not been reported in the literature in individuals with JMJD1C-related conditions. This variant is present in population databases (rs570688428, ExAC 0.07%), and has an allele count higher than expected for a pathogenic variant (PMID: 28166811). This sequence change replaces glycine with aspartic acid at codon 1158 of the JMJD1C protein (p.Gly1158Asp). The glycine residue is moderately conserved and there is a moderate physicochemical difference between glycine and aspartic acid.

Literature cited by the submitters: PubMed 28166811 (cited by Labcorp Genetics (formerly Invitae), Labcorp).

NM_032776.3(JMJD1C):c.3473G>A (p.Gly1158Asp)

Gene: JMJD1C (jumonji domain containing 1C; minus strand). Cytogenetic location: 10q21.3.
Variant type: single nucleotide variant.
Coding change: c.3473G>A on transcript NM_032776.3 (MANE Select); coding-DNA position 3473, G replaced by A.
Protein change: p.Gly1158Asp; replaces glycine 1158 with aspartic acid.
Molecular consequence: missense variant. On other transcripts: non-coding transcript variant (1).
Genome position (GRCh38, 1-based): chr10:63,208,196, C>T on the plus strand (G>A on the coding strand, the complement: JMJD1C is on the minus strand). VCF-style: chr10-63208196-C-T. GRCh37 (hg19) VCF-style: chr10-64967956-C-T.
Other names: c.2927G>A, p.Gly976Asp (NM_001282948.2, NM_001318154.2); c.2609G>A, p.Gly870Asp (NM_001318153.2); c.3359G>A, p.Gly1120Asp (NM_001322252.2); c.2816G>A, p.Gly939Asp (NM_001322254.2, NM_001322258.2); c.3473G>A (NM_032776.1); short protein forms G976D, G939D, G1158D, G870D, G1120D.
Identifiers: ClinVar variation 933708 (VCV000933708.10), dbSNP rs570688428, ClinGen allele CA5518429.